The following is an entry in ClinVar:

NM_005026.5(PIK3CD):c.809T>G (p.Leu270Trp)

Gene: PIK3CD (phosphatidylinositol-4,5-bisphosphate 3-kinase catalytic subunit delta; plus strand). Cytogenetic location: 1p36.22.
Variant type: single nucleotide variant.
Coding change: c.809T>G on transcript NM_005026.5 (MANE Select); coding-DNA position 809, T replaced by G.
Protein change: p.Leu270Trp; replaces leucine 270 with tryptophan.
Molecular consequence: missense variant. On other transcripts: intron variant (1).
Genome position (GRCh38, 1-based): chr1:9,716,987, T>G. VCF-style: chr1-9716987-T-G. GRCh37 (hg19) VCF-style: chr1-9777045-T-G.
Other names: c.809T>G, p.Leu270Trp (NM_001350234.2); c.781-59T>G (NM_001350235.1); short protein forms L270W.
Identifiers: ClinVar variation 1046173 (VCV001046173.9), dbSNP rs1647584874, ClinGen allele CA338301450.

ClinVar aggregate classification (germline): Uncertain significance (1 of 4 stars; one submission).

Conditions:
Immunodeficiency 14 (IMD14A). Also called: ACTIVATED PI3K-DELTA SYNDROME 1; IMMUNODEFICIENCY 14A WITH LYMPHOPROLIFERATION, AUTOSOMAL DOMINANT; Activated PI3K Delta Syndrome Type 1 (APDS1); p110-DELTA-ACTIVATING MUTATION CAUSING SENESCENT T CELLS, LYMPHADENOPATHY, AND IMMUNODEFICIENCY. Identifiers: Orphanet 397596, Orphanet 693661, MedGen C5907821, MONDO:0014222, OMIM 615513.

gnomAD v4.1: 7 of 1,613,896 alleles (0.00043%); highest among the groups gnomAD compares: Non-Finnish European, 0.00051%; no homozygotes.

Submission:

Labcorp Genetics (formerly Invitae), Labcorp
Classification: Uncertain significance for Activated PI3K-delta syndrome. Last evaluated: 2025-10-03. Review status: criteria provided, single submitter. Criteria: Invitae Variant Classification Sherloc (09022015). Collection method: clinical testing. Allele origin: germline.
Comment: This sequence change replaces leucine, which is neutral and non-polar, with tryptophan, which is neutral and slightly polar, at codon 270 of the PIK3CD protein (p.Leu270Trp). This variant is not present in population databases (gnomAD no frequency). This variant has not been reported in the literature in individuals affected with PIK3CD-related conditions. ClinVar contains an entry for this variant (Variation ID: 1046173). Invitae Evidence Modeling of protein sequence and biophysical properties (such as structural, functional, and spatial information, amino acid conservation, physicochemical variation, residue mobility, and thermodynamic stability) indicates that this missense variant is not expected to disrupt PIK3CD protein function with a negative predictive value of 80%. In summary, the available evidence is currently insufficient to determine the role of this variant in disease. Therefore, it has been classified as a Variant of Uncertain Significance.